The following is an entry in ClinVar:

NM_005577.4(LPA):c.3991C>A (p.Arg1331Ser)

Gene: LPA (lipoprotein(a); minus strand). Cytogenetic location: 6q25.3.
Variant type: single nucleotide variant.
Coding change: c.3991C>A on transcript NM_005577.4 (MANE Select); coding-DNA position 3991, C replaced by A.
Protein change: p.Arg1331Ser; replaces arginine 1331 with serine.
Molecular consequence: missense variant.
Genome position (GRCh38, 1-based): chr6:160,586,587, G>T on the plus strand (C>A on the coding strand, the complement: LPA is on the minus strand). VCF-style: chr6-160586587-G-T. GRCh37 (hg19) VCF-style: chr6-161007619-G-T.
Other names: short protein forms R1331S.
Identifiers: ClinVar variation 2657112 (VCV002657112.24), dbSNP rs147936725, ClinGen allele CA4086234.
Genomic context (GRCh38, chr6:160,586,587, plus strand): 5'-ATTGCGTCAGGTTGCAGTACTCCCATCTGACACTGGGATCCATGGTATAACACCAAGGGC[G>T]AATCTCAGCATCTGGATTCCTGCAGTAGTTCCTGGTCAGGCCACTGCAAATTCCAAAACA-3'
Protein context (NP_005568.2, residues 1321-1341): NYCRNPDAEI[Arg1331Ser]PWCYTMDPSV

ClinVar aggregate classification (germline): Benign (1 of 4 stars; one submission).

Allele frequency attached by ClinVar (database versions not stated): ESP Exome Variant Server 0.00177; gnomAD 0.00182; 1000 Genomes Project 30x 0.00047; 1000 Genomes Project 0.00060.
gnomAD v4.1: 3,509 of 1,613,758 alleles (0.22%); highest among the groups gnomAD compares: Non-Finnish European, 0.27%; 7 homozygotes.

Submission:

CeGaT Center for Human Genetics Tuebingen
Classification: Benign. Last evaluated: 2024-06-01. Review status: criteria provided, single submitter. Criteria: CeGaT Center For Human Genetics Tuebingen Variant Classification Criteria Version 2. Collection method: clinical testing. Allele origin: germline. Affected: yes. Observed: 2 variant alleles.
Comment: LPA: BS1, BS2